The following is an entry in ClinVar:

NM_001008212.2(OPTN):c.1414T>C (p.Cys472Arg)

Gene: OPTN (optineurin; plus strand). Cytogenetic location: 10p13.
Variant type: single nucleotide variant.
Coding change: c.1414T>C on transcript NM_001008212.2 (MANE Select); coding-DNA position 1414, T replaced by C.
Protein change: p.Cys472Arg; replaces cysteine 472 with arginine.
Molecular consequence: missense variant.
Genome position (GRCh38, 1-based): chr10:13,132,079, T>C. VCF-style: chr10-13132079-T-C. GRCh37 (hg19) VCF-style: chr10-13174079-T-C.
Other names: c.1414T>C, p.Cys472Arg (NM_001008211.1, NM_001008213.1, NM_021980.4); short protein forms C472R.
Identifiers: ClinVar variation 932115 (VCV000932115.3), dbSNP rs1833604353, ClinGen allele CA376030175.
Genomic context (GRCh38, chr10:13,132,079, plus strand): 5'-CTGCATTCATCTAGGTACTAACTTCTGTATCTTTTTTTCCTCTAACAGATGGAAGTTTAC[T>C]GTTCTGATTTTCATGCTGAAAGAGCAGCGAGAGAGAAAATTCATGAGGAAAAGGAGCAAC-3'
Protein context (NP_001008213.1, residues 462-482): TILRAQMEVY[Cys472Arg]SDFHAERAAR

ClinVar aggregate classification (germline): Uncertain significance (1 of 4 stars; one submission).

Conditions:
Primary open angle glaucoma (POAG). Also called: OPTN-related open angle glaucoma. Identifiers: MedGen C0339573, MONDO:0100553, OMIM 137760.

Submission:

Centre for Mendelian Genomics, University Medical Centre Ljubljana
Classification: Uncertain significance for Primary open angle glaucoma. Last evaluated: 2019-05-30. Review status: criteria provided, single submitter. Criteria: ACMG Guidelines, 2015. Collection method: clinical testing. Allele origin: unknown. Affected: yes.
Comment: This variant was classified as: Uncertain significance. The available evidence on this variant's pathogenicity is insufficient or conflicting. The following ACMG criteria were applied in classifying this variant: PM2,PP3.